The following is an entry in ClinVar:

ClinVar aggregate classification (germline): Uncertain significance (1 of 4 stars; one submission).

Conditions:
Amyotrophic lateral sclerosis type 1 (ALS1). Also called: AMYOTROPHIC LATERAL SCLEROSIS 1, FAMILIAL. Identifiers: Orphanet 803, MedGen C1862939, MONDO:0007103, OMIM 105400.
Neuronopathy, distal hereditary motor, type 7B. Also called: HMN VIIB; LOWER MOTOR NEURON DISEASE, DYNACTIN TYPE; NEURONOPATHY, DISTAL HEREDITARY MOTOR, AUTOSOMAL DOMINANT 14; NEURONOPATHY, DISTAL HEREDITARY MOTOR, HARDING TYPE VIIB; NEUROPATHY, DISTAL HEREDITARY MOTOR, HARDING TYPE VIIB; NEUROPATHY, DISTAL HEREDITARY MOTOR, WITH VOCAL CORD PARALYSIS, HARDING TYPE VIIB. Identifiers: Orphanet 139589, MedGen C1843315, MONDO:0011879, OMIM 607641.
Perry syndrome. Also called: PARKINSONISM WITH ALVEOLAR HYPOVENTILATION AND MENTAL DEPRESSION. Identifiers: Orphanet 178509, MedGen C1868594, MONDO:0008201, OMIM 168605.

Allele frequency attached by ClinVar (database versions not stated): gnomAD exomes below 0.00001; ExAC 0.00001.
gnomAD v4.1: 3 of 1,614,148 alleles (0.00019%); highest among the groups gnomAD compares: Non-Finnish European, 0.00017%; no homozygotes.

Submission:

Labcorp Genetics (formerly Invitae), Labcorp
Classification: Uncertain significance for Amyotrophic lateral sclerosis type 1; Neuronopathy, distal hereditary motor, type 7B; Perry syndrome. Last evaluated: 2025-11-20. Review status: criteria provided, single submitter. Criteria: Invitae Variant Classification Sherloc (09022015). Collection method: clinical testing. Allele origin: germline.
Comment: This sequence change replaces glutamine, which is neutral and polar, with histidine, which is basic and polar, at codon 738 of the DCTN1 protein (p.Gln738His). This variant is present in population databases (rs749669951, gnomAD no frequency). This variant has not been reported in the literature in individuals affected with DCTN1-related conditions. ClinVar contains an entry for this variant (Variation ID: 2937334). Invitae Evidence Modeling of protein sequence and biophysical properties (such as structural, functional, and spatial information, amino acid conservation, physicochemical variation, residue mobility, and thermodynamic stability) has been performed for this missense variant. However, the output from this modeling did not meet the statistical confidence thresholds required to predict the impact of this variant on DCTN1 protein function. In summary, the available evidence is currently insufficient to determine the role of this variant in disease. Therefore, it has been classified as a Variant of Uncertain Significance.

NM_004082.5(DCTN1):c.2214G>T (p.Gln738His)

Gene: DCTN1 (dynactin subunit 1; minus strand). Cytogenetic location: 2p13.1.
Variant type: single nucleotide variant.
Coding change: c.2214G>T on transcript NM_004082.5 (MANE Select); coding-DNA position 2214, G replaced by T.
Protein change: p.Gln738His; replaces glutamine 738 with histidine.
Molecular consequence: missense variant. On other transcripts: non-coding transcript variant (1).
Genome position (GRCh38, 1-based): chr2:74,367,391, C>A on the plus strand (G>T on the coding strand, the complement: DCTN1 is on the minus strand). VCF-style: chr2-74367391-C-A. GRCh37 (hg19) VCF-style: chr2-74594518-C-A.
Other names: c.2154G>T, p.Gln718His (NM_001135040.3); c.1812G>T, p.Gln604His (NM_001135041.3, NM_023019.4); c.2103G>T, p.Gln701His (NM_001190836.2); c.2193G>T, p.Gln731His (NM_001190837.2); c.2163G>T, p.Gln721His (NM_001378991.1); c.2145G>T, p.Gln715His (NM_001378992.1); short protein forms Q721H, Q701H, Q718H, Q738H, Q604H, Q715H, Q731H.
Identifiers: ClinVar variation 2937334 (VCV002937334.3), dbSNP rs749669951, ClinGen allele CA1721916.